The following is an entry in ClinVar:

ClinVar aggregate classification (germline): Likely benign (1 of 4 stars; one submission).

Conditions:
SDCCAG8-related disorder. Also called: SDCCAG8-related condition; SDCCAG8-Related Disorders.

Submission:

PreventionGenetics, part of Exact Sciences
Classification: Likely benign for SDCCAG8-related condition. Last evaluated: 2025-10-30. Review status: criteria provided, single submitter. Criteria: ACMG Guidelines, 2015. Collection method: clinical testing. Allele origin: germline.
Comment: This variant is classified as likely benign based on ACMG/AMP sequence variant interpretation guidelines (Richards et al. 2015 PMID: 25741868, with internal and published modifications).

NM_006642.5(SDCCAG8):c.-10del

Gene: SDCCAG8 (SHH signaling and ciliogenesis regulator SDCCAG8; plus strand). Cytogenetic location: 1q43.
Variant type: Deletion.
Coding change: c.-10del on transcript NM_006642.5 (MANE Select); 10 bases upstream of the start codon, one base deleted (G; older notation c.-10delG).
Molecular consequence: 5 prime UTR variant.
Genome position (GRCh38, 1-based): chr1:243,256,164, G deleted. VCF-style (leftmost placement, unchanged base first): chr1-243256163-AG-A. GRCh37 (hg19) VCF-style: chr1-243419465-AG-A.
Other names: c.-1122del (NM_001350246.2); c.-1010del (NM_001350247.2); c.-10del (NM_001350248.2); c.-317del (NM_001350249.2); c.-1383del (NM_001350251.2).
Identifiers: ClinVar variation 4995112 (VCV004995112.1).
Genomic context (GRCh38, chr1:243,256,163, plus strand): 5'-TGTTGTTCTCGGAAGGGAGAAAGCTGGACATTTCCCCACGTAACTCCCAGCTCTGGGCCT[AG>A]AGTGCGTGCATGGCGAAGTCCCCGGAGAACTCTACCCTGGAGGAGATTCTGGGGCAGTAT-3'